The following is an entry in ClinVar:

ClinVar aggregate classification (germline): Pathogenic (1 of 4 stars; one submission).

Allele frequency attached by ClinVar (database versions not stated): gnomAD exomes below 0.00001.

Submission:

GeneDx
Classification: Pathogenic. Last evaluated: 2018-08-03. Review status: criteria provided, single submitter. Criteria: GeneDx Variant Classification (06012015). Collection method: clinical testing. Allele origin: germline. Affected: yes.
Comment: The c.5581delG variant has not been published as a pathogenic variant, nor has it been reported as a benign variant to our knowledge. The variant is not observed in large population cohorts (Lek et al., 2016). The variant causes a frameshift starting with codon Alanine 1861, changes this amino acid to a Proline residue and creates a premature Stop codon at position 54 of the new reading frame, denoted p.Ala1861ProfsX54. This variant is predicted to cause loss of normal protein function either through protein truncation or nonsense-mediated mRNA decay. We consider this variant to be pathogenic.

NM_194248.3(OTOF):c.5581del (p.Ala1861fs)

Gene: OTOF (otoferlin; minus strand). Cytogenetic location: 2p23.3.
Variant type: Deletion.
Coding change: c.5581del on transcript NM_194248.3 (MANE Select); coding-DNA position 5581, one base deleted (G; older notation c.5581delG).
Protein change: p.Ala1861fs; shifts the reading frame from alanine 1861.
Molecular consequence: frameshift variant.
Genome position (GRCh38, 1-based): chr2:26,460,983, C deleted on the plus strand (G on the coding strand, the reverse complement: OTOF is on the minus strand). VCF-style (leftmost placement, unchanged base first): chr2-26460982-GC-G. GRCh37 (hg19) VCF-style: chr2-26683850-GC-G.
Other names: c.5581del, p.Ala1861fs (NM_001287489.2); c.3280del, p.Ala1094fs (NM_004802.4, NM_194323.3); c.3511del, p.Ala1171fs (NM_194322.3); short protein forms A1171fs, A1094fs, A1861fs.
Identifiers: ClinVar variation 817737 (VCV000817737.1), dbSNP rs1572399804, ClinGen allele CA915943742.
Genomic context (GRCh38, chr2:26,460,982, plus strand): 5'-AAGATGGACACGAGGGGCACGTCCACCTCCCCGGTGGCCATCTCCATGGTGCACTGCTTG[GC>G]TGTCTTTGCGCCCCGCGGGAACCGGTTCAGGTCCAGCTCGATGGCCCCTGTGGCAACCTC-3'